The following is an entry in ClinVar:

ClinVar aggregate classification (germline): Uncertain significance (1 of 4 stars; one submission).

Allele frequency attached by ClinVar (database versions not stated): TOPMed 0.00001; gnomAD 0.00003 and 0.00004; ESP Exome Variant Server 0.00008.
gnomAD v4.1: 4 of 1,612,740 alleles (0.00025%); highest among the groups gnomAD compares: African/African-American, 0.0053%; no homozygotes.

Submission:

Labcorp Genetics (formerly Invitae), Labcorp
Classification: Uncertain significance. Last evaluated: 2022-02-13. Review status: criteria provided, single submitter. Criteria: Invitae Variant Classification Sherloc (09022015). Collection method: clinical testing. Allele origin: germline.
Comment: Algorithms developed to predict the effect of missense changes on protein structure and function output the following: SIFT: "Tolerated"; PolyPhen-2: "Benign"; Align-GVGD: "Class C0". The serine amino acid residue is found in multiple mammalian species, which suggests that this missense change does not adversely affect protein function. In summary, the available evidence is currently insufficient to determine the role of this variant in disease. Therefore, it has been classified as a Variant of Uncertain Significance. ClinVar contains an entry for this variant (Variation ID: 1062012). This sequence change replaces leucine, which is neutral and non-polar, with serine, which is neutral and polar, at codon 639 of the SAMD11 protein (p.Leu639Ser). This variant is not present in population databases (gnomAD no frequency). This variant has not been reported in the literature in individuals affected with SAMD11-related conditions.

NM_001385641.1(SAMD11):c.2405T>C (p.Leu802Ser)

Gene: SAMD11 (sterile alpha motif domain containing 11; plus strand). Cytogenetic location: 1p36.33.
Variant type: single nucleotide variant.
Coding change: c.2405T>C on transcript NM_001385641.1 (MANE Select); coding-DNA position 2405, T replaced by C.
Protein change: p.Leu802Ser; replaces leucine 802 with serine.
Molecular consequence: missense variant.
Genome position (GRCh38, 1-based): chr1:944,023, T>C. VCF-style: chr1-944023-T-C. GRCh37 (hg19) VCF-style: chr1-879403-T-C.
Other names: c.2408T>C, p.Leu803Ser (NM_001385640.1); c.1916T>C, p.Leu639Ser (NM_152486.4); short protein forms L639S, L802S, L803S.
Identifiers: ClinVar variation 1062012 (VCV001062012.9), dbSNP rs138114411, ClinGen allele CA16728464.